The following is an entry in ClinVar:

ClinVar aggregate classification (germline): Likely pathogenic (1 of 4 stars; one submission).

Submission:

Labcorp Genetics (formerly Invitae), Labcorp
Classification: Likely pathogenic. Last evaluated: 2023-02-05. Review status: criteria provided, single submitter. Criteria: Invitae Variant Classification Sherloc (09022015). Collection method: clinical testing. Allele origin: germline.
Comment: This sequence change replaces aspartic acid, which is acidic and polar, with asparagine, which is neutral and polar, at codon 600 of the ABCA4 protein (p.Asp600Asn). This variant is not present in population databases (gnomAD no frequency). This variant has not been reported in the literature in individuals affected with ABCA4-related conditions. Advanced modeling of protein sequence and biophysical properties (such as structural, functional, and spatial information, amino acid conservation, physicochemical variation, residue mobility, and thermodynamic stability) performed at Invitae indicates that this missense variant is expected to disrupt ABCA4 protein function. This variant disrupts the p.Asp600 amino acid residue in ABCA4. Other variant(s) that disrupt this residue have been determined to be pathogenic (PMID: 12796258; Invitae). This suggests that this residue is clinically significant, and that variants that disrupt this residue are likely to be disease-causing. In summary, the currently available evidence indicates that the variant is pathogenic, but additional data are needed to prove that conclusively. Therefore, this variant has been classified as Likely Pathogenic.

Literature cited by the submitters: PubMed 12796258.

NM_000350.3(ABCA4):c.1798G>A (p.Asp600Asn)

Gene: ABCA4 (ATP binding cassette subfamily A member 4; minus strand). Cytogenetic location: 1p22.1.
Variant type: single nucleotide variant.
Coding change: c.1798G>A on transcript NM_000350.3 (MANE Select); coding-DNA position 1798, G replaced by A.
Protein change: p.Asp600Asn; replaces aspartic acid 600 with asparagine.
Molecular consequence: missense variant.
Genome position (GRCh38, 1-based): chr1:94,062,716, C>T on the plus strand (G>A on the coding strand, the complement: ABCA4 is on the minus strand). VCF-style: chr1-94062716-C-T. GRCh37 (hg19) VCF-style: chr1-94528272-C-T.
Other names: c.1798G>A, p.Asp600Asn (NM_001425324.1); short protein forms D600N.
Identifiers: ClinVar variation 2834824 (VCV002834824.3), dbSNP rs61752397, ClinGen allele CA341279687.